The following is an entry in ClinVar:

NM_001193315.2(VIPAS39):c.1141C>T (p.Arg381Ter)

Gene: VIPAS39 (VPS33B interacting protein, apical-basolateral polarity regulator, spe-39 homolog; minus strand). Cytogenetic location: 14q24.3.
Variant type: single nucleotide variant.
Coding change: c.1141C>T on transcript NM_001193315.2 (MANE Select); coding-DNA position 1141, C replaced by T.
Protein change: p.Arg381Ter; replaces arginine 381 with a stop codon.
Molecular consequence: nonsense. On other transcripts: non-coding transcript variant (1), intron variant (1).
Genome position (GRCh38, 1-based): chr14:77,433,880, G>A on the plus strand (C>T on the coding strand, the complement: VIPAS39 is on the minus strand). VCF-style: chr14-77433880-G-A. GRCh37 (hg19) VCF-style: chr14-77900223-G-A.
Other names: c.1141C>T, p.Arg381Ter (NM_001193314.2, NM_001193317.2, NM_001400326.1 and 5 more transcripts); c.994C>T, p.Arg332Ter (NM_001193316.2, NM_001400324.1, NM_001400325.1); c.1108C>T, p.Arg370Ter (NM_001400327.1); c.1048C>T, p.Arg350Ter (NM_001400333.1, NM_001400334.1); c.1006C>T, p.Arg336Ter (NM_001400336.1); c.901C>T, p.Arg301Ter (NM_001400337.1); c.856C>T, p.Arg286Ter (NM_001400339.1); c.987+382C>T (NM_001400338.1); short protein forms R381*, R286*, R301*, R332*, R336*, R350*, R370*.
Identifiers: ClinVar variation 1701818 (VCV001701818.3), dbSNP rs778181495, ClinGen allele CA7287819.

ClinVar aggregate classification (germline): Pathogenic. Review status: criteria provided, single submitter (1 of 4 stars). 2 submissions from 2 submitters: Pathogenic (1). 1 of the submissions does not count toward it. Last evaluated 2024-03-28.

Conditions:
Arthrogryposis, renal dysfunction, and cholestasis 2 (ARCS2). Identifiers: Orphanet 2697, MedGen C3150672, MONDO:0013255, OMIM 613404.

Allele frequency attached by ClinVar (database versions not stated): gnomAD exomes below 0.00001; ExAC 0.00001; gnomAD 0.00001; TOPMed 0.00001.
gnomAD v4.1: 4 of 1,613,892 alleles (0.00025%); highest among the groups gnomAD compares: African/African-American, 0.0013%; no homozygotes.

Submissions (2):

Labcorp Genetics (formerly Invitae), Labcorp
Classification: Pathogenic. Last evaluated: 2024-03-28. Review status: criteria provided, single submitter. Criteria: Invitae Variant Classification Sherloc (09022015). Collection method: clinical testing. Allele origin: germline.
Comment: This sequence change creates a premature translational stop signal (p.Arg381*) in the VIPAS39 gene. It is expected to result in an absent or disrupted protein product. Loss-of-function variants in VIPAS39 are known to be pathogenic (PMID: 20190753, 22753090). This variant is present in population databases (rs778181495, gnomAD 0.0009%). This premature translational stop signal has been observed in individual(s) with arthrogryposis, renal dysfunction, and cholestasis (PMID: 31479177). In at least one individual the data is consistent with being in trans (on the opposite chromosome) from a pathogenic variant. ClinVar contains an entry for this variant (Variation ID: 1701818). For these reasons, this variant has been classified as Pathogenic.

OMIM
Classification: Pathogenic for ARTHROGRYPOSIS, RENAL DYSFUNCTION, AND CHOLESTASIS 2. Last evaluated: 2022-08-18. Review status: no assertion criteria provided. Collection method: literature only. Allele origin: germline. Not counted in ClinVar's aggregate classification.

Literature cited by the submitters: PubMed 20190753 (cited by Labcorp Genetics (formerly Invitae), Labcorp); PubMed 22753090 (cited by Labcorp Genetics (formerly Invitae), Labcorp); PubMed 31479177 (cited by Labcorp Genetics (formerly Invitae), Labcorp and OMIM).